The following is an entry in ClinVar:

ClinVar aggregate classification (germline): Uncertain significance. Review status: criteria provided, multiple submitters, no conflicts (2 of 4 stars). 3 submissions from 3 submitters: Uncertain significance (3). Last evaluated 2025-08-14.

Conditions:
Inborn genetic diseases. Identifiers: MedGen C0950123, MeSH D030342.

Allele frequency attached by ClinVar (database versions not stated): gnomAD 0.00003.
gnomAD v4.1: 101 of 1,613,942 alleles (0.0063%); highest among the groups gnomAD compares: Admixed American, 0.012%; no homozygotes.

Submissions (3):

Ambry Genetics
Classification: Uncertain significance for Inborn genetic diseases. Last evaluated: 2025-08-14. Review status: criteria provided, single submitter. Criteria: Ambry Variant Classification Scheme 2023. Collection method: clinical testing. Allele origin: germline.

Labcorp Genetics (formerly Invitae), Labcorp
Classification: Uncertain significance. Last evaluated: 2022-07-01. Review status: criteria provided, single submitter. Criteria: Invitae Variant Classification Sherloc (09022015). Collection method: clinical testing. Allele origin: germline.
Comment: This sequence change replaces glycine, which is neutral and non-polar, with tryptophan, which is neutral and slightly polar, at codon 646 of the GRM6 protein (p.Gly646Trp). This variant is present in population databases (rs773325552, gnomAD 0.01%). This variant has not been reported in the literature in individuals affected with GRM6-related conditions. Advanced modeling of protein sequence and biophysical properties (such as structural, functional, and spatial information, amino acid conservation, physicochemical variation, residue mobility, and thermodynamic stability) performed at Invitae indicates that this missense variant is not expected to disrupt GRM6 protein function. In summary, the available evidence is currently insufficient to determine the role of this variant in disease. Therefore, it has been classified as a Variant of Uncertain Significance.

Blueprint Genetics
Classification: Uncertain significance. Last evaluated: 2022-04-07. Review status: criteria provided, single submitter. Criteria: ACMG Guidelines, 2015. Collection method: clinical testing. Allele origin: germline.

NM_000843.4(GRM6):c.1936G>T (p.Gly646Trp)

Genes: GRM6 (glutamate metabotropic receptor 6; minus strand), ZNF454 (zinc finger protein 454; plus strand). Cytogenetic location: 5q35.3.
Variant type: single nucleotide variant.
Coding change: c.1936G>T on transcript NM_000843.4 (MANE Select); coding-DNA position 1936, G replaced by T.
Protein change: p.Gly646Trp; replaces glycine 646 with tryptophan.
Molecular consequence: missense variant.
Genome position (GRCh38, 1-based): chr5:178,986,318, C>A on the plus strand (G>T on the coding strand, the complement: GRM6 is on the minus strand). VCF-style: chr5-178986318-C-A. GRCh37 (hg19) VCF-style: chr5-178413319-C-A.
Other names: c.1936G>T (NM_000843.3); short protein forms G646W.
Identifiers: ClinVar variation 2142962 (VCV002142962.3), dbSNP rs773325552, ClinGen allele CA3593885.